The following is an entry in ClinVar:

ClinVar aggregate classification (germline): Uncertain significance (0 of 4 stars; one submission).

Conditions:
SEMA3B-related disorder. Also called: SEMA3B-related condition.

gnomAD v4.1: 10 of 1,563,298 alleles (0.00064%); highest among the groups gnomAD compares: Non-Finnish European, 0.00086%; no homozygotes.

Submission:

PreventionGenetics, part of Exact Sciences
Classification: Uncertain significance for SEMA3B-related condition. Last evaluated: 2024-02-20. Review status: no assertion criteria provided. Collection method: clinical testing. Allele origin: germline.
Comment: The SEMA3B c.2146C>T variant is predicted to result in the amino acid substitution p.Arg716Cys. To our knowledge, this variant has not been reported in the literature. This variant is reported in 0.0014% of alleles in individuals of European (Non-Finnish) descent in gnomAD. At this time, the clinical significance of this variant is uncertain due to the absence of conclusive functional and genetic evidence.

NM_001290060.2(SEMA3B):c.2131C>T (p.Arg711Cys)

Gene: SEMA3B (semaphorin 3B; plus strand). Cytogenetic location: 3p21.31.
Variant type: single nucleotide variant.
Coding change: c.2131C>T on transcript NM_001290060.2 (MANE Select); coding-DNA position 2131, C replaced by T.
Protein change: p.Arg711Cys; replaces arginine 711 with cysteine.
Molecular consequence: missense variant. On other transcripts: non-coding transcript variant (1).
Genome position (GRCh38, 1-based): chr3:50,276,587, C>T. VCF-style: chr3-50276587-C-T. GRCh37 (hg19) VCF-style: chr3-50314018-C-T.
Other names: c.2128C>T, p.Arg710Cys (NM_001005914.3); c.2146C>T, p.Arg716Cys (NM_001290061.1); c.1102C>T, p.Arg368Cys (NM_001290062.2, NM_001290063.2); c.2131C>T, p.Arg711Cys (NM_004636.4); short protein forms R368C, R710C, R711C, R716C.
Identifiers: ClinVar variation 3358273 (VCV003358273.1).